The following is an entry in ClinVar:

NM_001009944.3(PKD1):c.3812_3813del (p.Thr1271fs)

Gene: PKD1 (polycystin 1, transient receptor potential channel interacting; minus strand). Cytogenetic location: 16p13.3.
Variant type: Microsatellite.
Coding change: c.3812_3813del on transcript NM_001009944.3 (MANE Select); coding-DNA positions 3812 to 3813, 2 bases deleted (CA; older notation c.3812_3813delCA).
Protein change: p.Thr1271fs; shifts the reading frame from threonine 1271.
Molecular consequence: frameshift variant.
Genome position (GRCh38, 1-based): chr16:2,111,354-2,111,355, TG deleted on the plus strand (CA on the coding strand, the reverse complement: PKD1 is on the minus strand); deleting any 2 consecutive bases within chr16:2,111,354-2,111,357 gives the same sequence; the c. name uses the placement nearest the transcript's 3' end. VCF-style (leftmost placement, unchanged base first): chr16-2111353-CTG-C. GRCh37 (hg19) VCF-style: chr16-2161354-CTG-C.
Other names: c.3812_3813del, p.Thr1271fs (NM_000296.4); c.3810_3811CA[1], p.Thr1271Serfs (NM_001009944.2); c.3812_3813delCA (NM_001009944.2); c.3812_3813del (NM_001009944.2); short protein forms T1271fs.
Identifiers: ClinVar variation 1805063 (VCV001805063.6), dbSNP rs2544827572, ClinGen allele CA2573050763.

ClinVar aggregate classification (germline): Pathogenic. Review status: criteria provided, multiple submitters, no conflicts (2 of 4 stars). 5 submissions from 5 submitters: Pathogenic (5). Last evaluated 2024-11-25.

Conditions:
Polycystic kidney disease, adult type (PKD1). Also called: POLYCYSTIC KIDNEY DISEASE 1 WITH OR WITHOUT POLYCYSTIC LIVER DISEASE; Polycystic Kidney Disease 1, Autosomal Dominant; Polycystic kidney disease 1; Polycystic kidney disease 1, severe; POLYCYSTIC KIDNEY DISEASE, ADULT, TYPE I; Polycystic Kidney, Autosomal Dominant. Identifiers: MedGen C3149841, MONDO:0008263, OMIM 173900.
PKD1-related disorder. Also called: PKD1-related condition.

Submissions (5):

Institute of Human Genetics, University of Leipzig Medical Center
Classification: Pathogenic for Polycystic kidney disease, adult type. Last evaluated: 2024-11-25. Review status: criteria provided, single submitter. Criteria: ACMG Guidelines, 2015. Collection method: clinical testing. Allele origin: unknown. Inheritance: Autosomal dominant inheritance. Affected: yes.
Comment: Criteria applied: PVS1,PM2,PS4_SUP

GeneDx
Classification: Pathogenic. Last evaluated: 2024-09-13. Review status: criteria provided, single submitter. Criteria: GeneDx Variant Classification Process June 2021. Collection method: clinical testing. Allele origin: germline. Affected: yes.
Comment: Frameshift variant predicted to result in protein truncation or nonsense mediated decay in a gene for which loss of function is a known mechanism of disease; Not observed at significant frequency in large population cohorts (gnomAD); This variant is associated with the following publications: (PMID: 26150605)

Department of Pathology and Laboratory Medicine, Sinai Health System
Classification: Pathogenic for Polycystic kidney disease, adult type. Last evaluated: 2024-04-17. Review status: criteria provided, single submitter. Criteria: ACMG Guidelines, 2015. Collection method: clinical testing. Allele origin: germline. Affected: yes.

Victorian Clinical Genetics Services, Murdoch Childrens Research Institute
Classification: Pathogenic for Polycystic kidney disease, adult type. Last evaluated: 2022-02-02. Review status: criteria provided, single submitter. Criteria: ACMG Guidelines, 2015. Collection method: clinical testing. Allele origin: germline. Inheritance: Autosomal dominant inheritance. Affected: yes.
Comment: Based on the classification scheme VCGS_Germline_v1.3.4, this variant is classified as Pathogenic. Following criteria are met: 0102 - Loss of function is a known mechanism of disease in this gene and is associated with polycystic kidney disease 1 (MIM#173900). (I) 0107 - This gene is associated with autosomal dominant disease. Polycystic kidney disease 1 (MIM#173900) is predominantly caused by monoallelic variants, with rare reports of biallelic variants causing disease (OMIM). (I) 0201 - Variant is predicted to cause nonsense-mediated decay (NMD) and loss of protein (premature termination codon is located at least 54 nucleotides upstream of the final exon-exon junction). (SP) 0251 - This variant is heterozygous. (I) 0301 - Variant is absent from gnomAD (both v2 and v3). (SP) 0701 - Other NMD predicted variants comparable to the one identified in this case have very strong previous evidence for pathogenicity (DECIPHER). (SP) 0807 - This variant has no previous evidence of pathogenicity. (I) 0905 - No published segregation evidence has been identified for this variant. (I) 1007 - No published functional evidence has been identified for this variant. (I) 1208 - Inheritance information for this variant is not currently available in this individual. (I) Legend: (SP) - Supporting pathogenic, (I) - Information, (SB) - Supporting benign

Blueprint Genetics
Classification: Pathogenic for PKD1-related disorders. Last evaluated: 2021-11-23. Review status: criteria provided, single submitter. Criteria: ACMG Guidelines, 2015. Collection method: clinical testing. Allele origin: germline. Affected: yes. Observed: 1 variant allele.